The following is an entry in ClinVar:

NM_001003722.2(GLE1):c.1808G>A (p.Arg603His)

Genes: GLE1 (GLE1 RNA export mediator; plus strand), LOC101929270 (uncharacterized LOC101929270; minus strand). Cytogenetic location: 9q34.11.
Variant type: single nucleotide variant.
Coding change: c.1808G>A on transcript NM_001003722.2 (MANE Select); coding-DNA position 1808, G replaced by A.
Protein change: p.Arg603His; replaces arginine 603 with histidine.
Molecular consequence: missense variant.
Genome position (GRCh38, 1-based): chr9:128,538,017, G>A. VCF-style: chr9-128538017-G-A. GRCh37 (hg19) VCF-style: chr9-131300296-G-A.
Other names: c.1835G>A, p.Arg612His (NM_001411013.1); c.1808G>A, p.Arg603His (NM_001499.2); short protein forms R603H, R612H.
Identifiers: ClinVar variation 3907170 (VCV003907170.1).

ClinVar aggregate classification (germline): Uncertain significance (1 of 4 stars; one submission).

gnomAD v4.1: 2 of 1,611,666 alleles (0.00012%); highest among the groups gnomAD compares: Admixed American, 0.0017%; no homozygotes.

Submission:

Women's Health and Genetics/Laboratory Corporation of America, LabCorp
Classification: Uncertain significance. Last evaluated: 2025-06-12. Review status: criteria provided, single submitter. Criteria: LabCorp Variant Classification Summary - May 2015. Collection method: clinical testing. Allele origin: germline.
Comment: Variant summary: GLE1 c.1808G>A (p.Arg603His) results in a non-conservative amino acid change in the encoded protein sequence. Algorithms developed to predict the effect of missense changes on protein structure and function all suggest that this variant is likely to be disruptive. The variant allele was found at a frequency of 4e-06 in 251400 control chromosomes. The available data on variant occurrences in the general population are insufficient to allow any conclusion about variant significance. To our knowledge, no occurrence of c.1808G>A in individuals affected with Lethal Arthrogryposis with Anterior Horn Cell Disease and no experimental evidence demonstrating its impact on protein function have been reported. No submitters have cited clinical-significance assessments for this variant to ClinVar. Based on the evidence outlined above, the variant was classified as uncertain significance.